The following is an entry in ClinVar:

NM_006231.4(POLE):c.2218G>T (p.Glu740Ter)

Gene: POLE (DNA polymerase epsilon, catalytic subunit; minus strand). Cytogenetic location: 12q24.33.
Variant type: single nucleotide variant.
Coding change: c.2218G>T on transcript NM_006231.4 (MANE Select); coding-DNA position 2218, G replaced by T.
Protein change: p.Glu740Ter; replaces glutamic acid 740 with a stop codon.
Molecular consequence: nonsense.
Genome position (GRCh38, 1-based): chr12:132,667,604, C>A on the plus strand (G>T on the coding strand, the complement: POLE is on the minus strand). VCF-style: chr12-132667604-C-A. GRCh37 (hg19) VCF-style: chr12-133244190-C-A.
Other names: short protein forms E740*.
Identifiers: ClinVar variation 2744987 (VCV002744987.3), dbSNP rs1331682009, ClinGen allele CA387352278.

ClinVar aggregate classification (germline): Pathogenic (1 of 4 stars; one submission).

gnomAD v4.1: 8 of 1,614,210 alleles (0.0005%); highest among the groups gnomAD compares: Non-Finnish European, 0.00068%; no homozygotes.

Submission:

Labcorp Genetics (formerly Invitae), Labcorp
Classification: Pathogenic. Last evaluated: 2024-07-24. Review status: criteria provided, single submitter. Criteria: Invitae Variant Classification Sherloc (09022015). Collection method: clinical testing. Allele origin: germline.
Comment: This sequence change creates a premature translational stop signal (p.Glu740*) in the POLE gene. It is expected to result in an absent or disrupted protein product. Loss-of-function variants in POLE are known to be pathogenic (PMID: 23230001, 25948378, 30503519). This variant is present in population databases (no rsID available, gnomAD 0.002%). This variant has not been reported in the literature in individuals affected with POLE-related conditions. For these reasons, this variant has been classified as Pathogenic.

Literature cited by the submitters: PubMed 23230001; PubMed 25948378; PubMed 30503519.